The following is an entry in ClinVar:

NM_016507.4(CDK12):c.1147A>G (p.Ser383Gly)

Gene: CDK12 (cyclin dependent kinase 12; plus strand). Cytogenetic location: 17q12.
Variant type: single nucleotide variant.
Coding change: c.1147A>G on transcript NM_016507.4 (MANE Select); coding-DNA position 1147, A replaced by G.
Protein change: p.Ser383Gly; replaces serine 383 with glycine.
Molecular consequence: missense variant.
Genome position (GRCh38, 1-based): chr17:39,470,979, A>G. VCF-style: chr17-39470979-A-G. GRCh37 (hg19) VCF-style: chr17-37627232-A-G.
Other names: c.1147A>G, p.Ser383Gly (NM_015083.4); short protein forms S383G.
Identifiers: ClinVar variation 3830438 (VCV003830438.1).

ClinVar aggregate classification (germline): Uncertain significance (1 of 4 stars; one submission).

gnomAD v4.1: 9 of 1,614,044 alleles (0.00056%); highest among the groups gnomAD compares: South Asian, 0.0099%; no homozygotes.

Submission:

Ambry Genetics
Classification: Uncertain significance. Last evaluated: 2025-01-02. Review status: criteria provided, single submitter. Criteria: Ambry Variant Classification Scheme 2023. Collection method: clinical testing. Allele origin: germline.
Comment: The p.S383G variant (also known as c.1147A>G), located in coding exon 2 of the CDK12 gene, results from an A to G substitution at nucleotide position 1147. The serine at codon 383 is replaced by glycine, an amino acid with similar properties. This amino acid position is conserved. In addition, this alteration is predicted to be tolerated by in silico analysis. Based on the available evidence, the clinical significance of this variant remains unclear.